The following is an entry in ClinVar:

NM_001256071.3(RNF213):c.3738G>C (p.Glu1246Asp)

Gene: RNF213 (ring finger protein 213; plus strand). Cytogenetic location: 17q25.3.
Variant type: single nucleotide variant.
Coding change: c.3738G>C on transcript NM_001256071.3 (MANE Select); coding-DNA position 3738, G replaced by C.
Protein change: p.Glu1246Asp; replaces glutamic acid 1246 with aspartic acid.
Molecular consequence: missense variant.
Genome position (GRCh38, 1-based): chr17:80,332,226, G>C. VCF-style: chr17-80332226-G-C. GRCh37 (hg19) VCF-style: chr17-78306026-G-C.
Other names: c.3885G>C, p.Glu1295Asp (NM_001410195.1, NM_020914.5); short protein forms E1246D, E1295D.
Identifiers: ClinVar variation 2714927 (VCV002714927.3), dbSNP rs549196517, ClinGen allele CA294909767.

ClinVar aggregate classification (germline): Uncertain significance (1 of 4 stars; one submission).

Allele frequency attached by ClinVar (database versions not stated): 1000 Genomes Project 30x 0.00016; 1000 Genomes Project 0.00020; gnomAD 0.00001; TOPMed 0.00001.
gnomAD v4.1: 9 of 1,537,218 alleles (0.00059%); highest among the groups gnomAD compares: Admixed American, 0.018%; no homozygotes.

Submission:

Labcorp Genetics (formerly Invitae), Labcorp
Classification: Uncertain significance. Last evaluated: 2024-01-03. Review status: criteria provided, single submitter. Criteria: Invitae Variant Classification Sherloc (09022015). Collection method: clinical testing. Allele origin: germline.
Comment: This sequence change replaces glutamic acid, which is acidic and polar, with aspartic acid, which is acidic and polar, at codon 1246 of the RNF213 protein (p.Glu1246Asp). This variant is present in population databases (rs549196517, gnomAD 0.03%). This variant has not been reported in the literature in individuals affected with RNF213-related conditions. An algorithm developed to predict the effect of missense changes on protein structure and function (PolyPhen-2) suggests that this variant is likely to be tolerated. In summary, the available evidence is currently insufficient to determine the role of this variant in disease. Therefore, it has been classified as a Variant of Uncertain Significance.